The following is an entry in ClinVar:

ClinVar aggregate classification (germline): Conflicting classifications of pathogenicity. Review status: criteria provided, conflicting classifications (1 of 4 stars). 8 submissions from 7 submitters: Uncertain significance (3); Likely benign (4). 1 of the submissions does not count toward it. Last evaluated 2025-12-30.

Conditions:
ANK1-related disorder. Also called: ANK1-related condition.
Hereditary spherocytosis type 1. Also called: Spherocytosis type 1; ANK1-Related Spherocytosis. Identifiers: Orphanet 822, MedGen C2674218, MONDO:0008447, OMIM 182900.
Spherocytosis. Identifiers: MedGen C0553720, HP:0004444.

Allele frequency attached by ClinVar (database versions not stated): gnomAD exomes 0.00031 and 0.00080; ExAC 0.00078; gnomAD 0.00170 and 0.00171; TOPMed 0.00176; ESP Exome Variant Server 0.00185; 1000 Genomes Project 30x 0.00375; 1000 Genomes Project 0.00379.
gnomAD v4.1: 743 of 1,613,488 alleles (0.046%); highest among the groups gnomAD compares: African/African-American, 0.46%; 2 homozygotes.

Submissions (8):

Labcorp Genetics (formerly Invitae), Labcorp
Classification: Likely benign. Last evaluated: 2025-12-30. Review status: criteria provided, single submitter. Criteria: Invitae Variant Classification Sherloc (09022015). Collection method: clinical testing. Allele origin: germline.

Blueprint Genetics
Classification: Likely benign. Last evaluated: 2024-10-18. Review status: criteria provided, single submitter. Criteria: ACMG Guidelines, 2015. Collection method: clinical testing. Allele origin: germline.

ARUP Laboratories, Molecular Genetics and Genomics, ARUP Laboratories
Classification: Likely benign for Hereditary spherocytosis type 1. Last evaluated: 2024-07-24. Review status: criteria provided, single submitter. Criteria: ARUP Molecular Germline Variant Investigation Process 2024. Collection method: clinical testing. Allele origin: germline.

Mayo Clinic Laboratories, Mayo Clinic
Classification: Uncertain significance. Last evaluated: 2022-06-28. Review status: criteria provided, single submitter. Criteria: ACMG Guidelines, 2015. Collection method: clinical testing. Allele origin: germline. Observed: 12 variant alleles.

GeneDx
Classification: Uncertain significance. Last evaluated: 2020-01-03. Review status: criteria provided, single submitter. Criteria: GeneDx Variant Classification Process June 2021. Collection method: clinical testing. Allele origin: germline. Affected: yes.
Comment: In silico analysis, which includes protein predictors and evolutionary conservation, supports that this variant does not alter protein structure/function; This variant is associated with the following publications: (PMID: 27551681)

Illumina Laboratory Services, Illumina
Classification: Likely benign for Hereditary spherocytosis type 1. Last evaluated: 2018-01-12. Review status: criteria provided, single submitter. Criteria: ICSL Variant Classification Criteria 13 December 2019. Collection method: clinical testing. Allele origin: germline.
Comment: This variant was observed in the ICSL laboratory as part of a predisposition screen in an ostensibly healthy population. It had not been previously curated by ICSL or reported in the Human Gene Mutation Database (HGMD: prior to June 1st, 2018), and was therefore a candidate for classification through an automated scoring system. Utilizing variant allele frequency, disease prevalence and penetrance estimates, and inheritance mode, an automated score was calculated to assess if this variant is too frequent to cause the disease. Based on the score and internal cut-off values, a variant classified as likely benign is not then subjected to further curation. The score for this variant resulted in a classification of likely benign for this disease.

Illumina Laboratory Services, Illumina
Classification: Uncertain significance for Spherocytosis. Last evaluated: 2018-01-12. Review status: criteria provided, single submitter. Criteria: ICSL Variant Classification Criteria 13 December 2019. Collection method: clinical testing. Allele origin: germline.

PreventionGenetics, part of Exact Sciences
Classification: Likely benign for ANK1-related condition. Last evaluated: 2019-10-02. Review status: no assertion criteria provided. Collection method: clinical testing. Allele origin: germline. Not counted in ClinVar's aggregate classification.
Comment: This variant is classified as likely benign based on ACMG/AMP sequence variant interpretation guidelines (Richards et al. 2015 PMID: 25741868, with internal and published modifications).

NM_000037.4(ANK1):c.2830G>A (p.Ala944Thr)

Gene: ANK1 (ankyrin 1; minus strand). Cytogenetic location: 8p11.21.
Variant type: single nucleotide variant.
Coding change: c.2830G>A on transcript NM_000037.4 (MANE Select); coding-DNA position 2830, G replaced by A.
Protein change: p.Ala944Thr; replaces alanine 944 with threonine.
Molecular consequence: missense variant.
Genome position (GRCh38, 1-based): chr8:41,696,493, C>T on the plus strand (G>A on the coding strand, the complement: ANK1 is on the minus strand). VCF-style: chr8-41696493-C-T. GRCh37 (hg19) VCF-style: chr8-41554011-C-T.
Other names: c.2830G>A (NM_020476.2); c.2953G>A, p.Ala985Thr (NM_001142446.2); c.2830G>A, p.Ala944Thr (NM_020475.3, NM_020476.3, NM_020477.3); short protein forms A985T, A944T.
Identifiers: ClinVar variation 723928 (VCV000723928.32), dbSNP rs35797405, ClinGen allele CA4728070.